The following is an entry in ClinVar:

ClinVar aggregate classification (germline): Likely benign (1 of 4 stars; one submission).

Allele frequency attached by ClinVar (database versions not stated): gnomAD exomes 0.00072; gnomAD 0.00504 and 0.00541; TOPMed 0.00583; 1000 Genomes Project 0.00719; 1000 Genomes Project 30x 0.00734.

Submission:

GeneDx
Classification: Likely benign. Last evaluated: 2018-06-14. Review status: criteria provided, single submitter. Criteria: GeneDx Variant Classification (06012015). Collection method: clinical testing. Allele origin: germline. Affected: yes.
Comment: This variant is considered likely benign or benign based on one or more of the following criteria: it is a conservative change, it occurs at a poorly conserved position in the protein, it is predicted to be benign by multiple in silico algorithms, and/or has population frequency not consistent with disease.

NM_015450.3(POT1):c.949+171dup

Gene: POT1 (protection of telomeres 1; minus strand). Cytogenetic location: 7q31.33.
Variant type: Duplication.
Coding change: c.949+171dup on transcript NM_015450.3 (MANE Select); 171 bases into the intron after coding-DNA position 949, one base duplicated (C; older notation c.949+171dupC).
Molecular consequence: intron variant.
Genome position (GRCh38, 1-based): chr7:124,851,701, G duplicated on the plus strand (C on the coding strand, the reverse complement: POT1 is on the minus strand). VCF-style (leftmost placement, unchanged base first): chr7-124851700-A-AG. GRCh37 (hg19) VCF-style: chr7-124491754-A-AG.
Other names: c.556+171dup (NM_001042594.2).
Identifiers: ClinVar variation 678415 (VCV000678415.1), dbSNP rs34904451, ClinGen allele CA166063686.